The following is an entry in ClinVar:

NM_006859.4(LIAS):c.515T>C (p.Leu172Pro)

Gene: LIAS (lipoic acid synthetase; plus strand). Cytogenetic location: 4p14.
Variant type: single nucleotide variant.
Coding change: c.515T>C on transcript NM_006859.4 (MANE Select); coding-DNA position 515, T replaced by C.
Protein change: p.Leu172Pro; replaces leucine 172 with proline.
Molecular consequence: missense variant. On other transcripts: intron variant (1).
Genome position (GRCh38, 1-based): chr4:39,465,167, T>C. VCF-style: chr4-39465167-T-C. GRCh37 (hg19) VCF-style: chr4-39466787-T-C.
Other names: c.515T>C, p.Leu172Pro (NM_001278590.2, NM_194451.3); c.299+1562T>C (NM_001363700.2); short protein forms L172P.
Identifiers: ClinVar variation 1492376 (VCV001492376.8), dbSNP rs2109875481, ClinGen allele CA356664602.

ClinVar aggregate classification (germline): Uncertain significance (1 of 4 stars; one submission).

Conditions:
Lipoic acid synthetase deficiency. Also called: HYPERGLYCINEMIA, LACTIC ACIDOSIS, AND SEIZURES. Identifiers: Orphanet 401859, MedGen C3280887, MONDO:0013762, OMIM 614462.

Allele frequency attached by ClinVar (database versions not stated): gnomAD exomes below 0.00001.
gnomAD v4.1: 1 of 1,614,200 alleles (0.000062%); highest among the groups gnomAD compares: Non-Finnish European, 0.000085%; no homozygotes.

Submission:

Labcorp Genetics (formerly Invitae), Labcorp
Classification: Uncertain significance for Lipoic acid synthetase deficiency. Last evaluated: 2021-07-14. Review status: criteria provided, single submitter. Criteria: Invitae Variant Classification Sherloc (09022015). Collection method: clinical testing. Allele origin: germline.
Comment: This variant has not been reported in the literature in individuals with LIAS-related conditions. Algorithms developed to predict the effect of missense changes on protein structure and function (SIFT, PolyPhen-2, Align-GVGD) all suggest that this variant is likely to be disruptive, but these predictions have not been confirmed by published functional studies and their clinical significance is uncertain. In summary, the available evidence is currently insufficient to determine the role of this variant in disease. Therefore, it has been classified as a Variant of Uncertain Significance. This variant is not present in population databases (ExAC no frequency). This sequence change replaces leucine with proline at codon 172 of the LIAS protein (p.Leu172Pro). The leucine residue is highly conserved and there is a moderate physicochemical difference between leucine and proline.